The following is an entry in ClinVar:

NM_004104.5(FASN):c.271G>A (p.Val91Met)

Gene: FASN (fatty acid synthase; minus strand). Cytogenetic location: 17q25.3.
Variant type: single nucleotide variant.
Coding change: c.271G>A on transcript NM_004104.5 (MANE Select); coding-DNA position 271, G replaced by A.
Protein change: p.Val91Met; replaces valine 91 with methionine.
Molecular consequence: missense variant.
Genome position (GRCh38, 1-based): chr17:82,095,329, C>T on the plus strand (G>A on the coding strand, the complement: FASN is on the minus strand). VCF-style: chr17-82095329-C-T. GRCh37 (hg19) VCF-style: chr17-80053205-C-T.
Other names: short protein forms V91M.
Identifiers: ClinVar variation 967618 (VCV000967618.9), dbSNP rs777280947, ClinGen allele CA8853615.
Genomic context (GRCh38, chr17:82,095,329, plus strand): 5'-CACGTGAGCAGCAGGAGCCCTCGGCGCAGCAGTCGCGAATGCCCGACCCACCTCCGTCCA[C>T]GATGGCTTCATAGGTGACTTCCAGCAGCAGCCGCAGCTGAGGGTCCATCGTGTGTGCCTG-3'
Protein context (NP_004095.4, residues 81-101): LLLEVTYEAI[Val91Met]DGGINPDSLR

ClinVar aggregate classification (germline): Uncertain significance (1 of 4 stars; one submission).

Conditions:
Epileptic encephalopathy. Identifiers: MedGen C0543888, HP:0200134.

Allele frequency attached by ClinVar (database versions not stated): gnomAD 0.00001; gnomAD exomes 0.00001; 1000 Genomes Project 30x 0.00031.

Submission:

Labcorp Genetics (formerly Invitae), Labcorp
Classification: Uncertain significance for Epileptic encephalopathy. Last evaluated: 2024-05-15. Review status: criteria provided, single submitter. Criteria: Invitae Variant Classification Sherloc (09022015). Collection method: clinical testing. Allele origin: germline.
Comment: This sequence change replaces valine, which is neutral and non-polar, with methionine, which is neutral and non-polar, at codon 91 of the FASN protein (p.Val91Met). This variant is present in population databases (rs777280947, gnomAD 0.01%). This variant has not been reported in the literature in individuals affected with FASN-related conditions. ClinVar contains an entry for this variant (Variation ID: 967618). An algorithm developed to predict the effect of missense changes on protein structure and function (PolyPhen-2) suggests that this variant is likely to be disruptive. In summary, the available evidence is currently insufficient to determine the role of this variant in disease. Therefore, it has been classified as a Variant of Uncertain Significance.